The following is an entry in ClinVar:

ClinVar aggregate classification (germline): Pathogenic/Likely pathogenic. Review status: criteria provided, multiple submitters, no conflicts (2 of 4 stars). 7 submissions from 7 submitters: Pathogenic (5); Likely pathogenic (1). 1 of the submissions does not count toward it. Last evaluated 2025-12-22.

Conditions:
Spondyloepimetaphyseal dysplasia, Missouri type. Identifiers: Orphanet 1040, Orphanet 93356, MedGen C1865832, MONDO:0011198, OMIM 602111.
Metaphyseal chondrodysplasia, Spahr type (MDST). Identifiers: Orphanet 2501, MedGen C0432225, MONDO:0009597, OMIM 250400.
MMP13-related disorder. Also called: MMP13-related condition; MMP13-related disorders.

Allele frequency attached by ClinVar (database versions not stated): ESP Exome Variant Server 0.00008; TOPMed 0.00001; ExAC 0.00002; gnomAD 0.00003; gnomAD exomes 0.00003.
gnomAD v4.1: 26 of 1,613,738 alleles (0.0016%); highest among the groups gnomAD compares: Non-Finnish European, 0.002%; no homozygotes.

Submissions (7):

Dasa
Classification: Pathogenic. Last evaluated: 2025-12-22. Review status: criteria provided, single submitter. Criteria: DASA Assertion Criteria. Collection method: clinical testing. Allele origin: germline.
Comment: NM_002427.4(MMP13):c.325C>T (p.Arg109*) introduces a premature termination codon predicted to result in loss of normal protein function. Loss-of-function is an established mechanism of disease for this gene. This variant has been observed in affected individuals with related phenotype in a genotype context consistent with recessive disease (PMID: 24781753). This variant has been reported in individuals with related phenotype (PMID: 24781753). The variant is present at low frequency in population datasets. Based on the available data, this variant is classified as pathogenic.

Labcorp Genetics (formerly Invitae), Labcorp
Classification: Pathogenic. Last evaluated: 2025-08-25. Review status: criteria provided, single submitter. Criteria: Invitae Variant Classification Sherloc (09022015). Collection method: clinical testing. Allele origin: germline.
Comment: This sequence change creates a premature translational stop signal (p.Arg109*) in the MMP13 gene. It is expected to result in an absent or disrupted protein product. Loss-of-function variants in MMP13 are known to be pathogenic (PMID: 24781753, 31413057). This variant is present in population databases (rs369083541, gnomAD 0.004%). This premature translational stop signal has been observed in individual(s) with autosomal recessive metaphyseal anadysplasia (PMID: 24781753). It has also been observed to segregate with disease in related individuals. ClinVar contains an entry for this variant (Variation ID: 183688). Algorithms developed to predict the effect of sequence changes on RNA splicing suggest that this variant may disrupt the consensus splice site. For these reasons, this variant has been classified as Pathogenic.

Blueprint Genetics
Classification: Likely pathogenic for MMP13-related disorders. Last evaluated: 2024-09-21. Review status: criteria provided, single submitter. Criteria: ACMG Guidelines, 2015. Collection method: clinical testing. Allele origin: germline. Affected: yes. Observed: 5 variant alleles.

GeneDx
Classification: Pathogenic. Last evaluated: 2022-07-08. Review status: criteria provided, single submitter. Criteria: GeneDx Variant Classification Process June 2021. Collection method: clinical testing. Allele origin: germline. Affected: yes.
Comment: Nonsense variant predicted to result in protein truncation or nonsense mediated decay in a gene for which loss of function is a known mechanism of disease; This variant is associated with the following publications: (PMID: 34426522, 24781753)

Department of Pathology and Laboratory Medicine, Sinai Health System
Classification: Pathogenic for Metaphyseal chondrodysplasia, Spahr type; Spondyloepimetaphyseal dysplasia, Missouri type. Last evaluated: 2022-01-04. Review status: criteria provided, single submitter. Criteria: ACMG Guidelines, 2015. Collection method: research. Allele origin: germline.

Centre for Mendelian Genomics, University Medical Centre Ljubljana
Classification: Pathogenic for Metaphyseal chondrodysplasia, Spahr type. Last evaluated: 2020-01-26. Review status: criteria provided, single submitter. Criteria: ACMG Guidelines, 2015. Collection method: clinical testing. Allele origin: unknown. Affected: yes.
Comment: This variant was classified as: Pathogenic. The following ACMG criteria were applied in classifying this variant: PVS1,PM2.

OMIM
Classification: Pathogenic for METAPHYSEAL DYSPLASIA, SPAHR TYPE. Last evaluated: 2015-02-01. Review status: no assertion criteria provided. Collection method: literature only. Allele origin: germline. Not counted in ClinVar's aggregate classification.

Literature cited by the submitters: PubMed 24781753 (cited by 3 submitters); PubMed 31413057 (cited by Labcorp Genetics (formerly Invitae), Labcorp).

NM_002427.4(MMP13):c.325C>T (p.Arg109Ter)

Genes: MMP13 (matrix metallopeptidase 13; minus strand), LOC126861318 (BRD4-independent group 4 enhancer GRCh37_chr11:102825894-102827093; plus strand). Cytogenetic location: 11q22.2.
Variant type: single nucleotide variant.
Coding change: c.325C>T on transcript NM_002427.4 (MANE Select); coding-DNA position 325, C replaced by T.
Protein change: p.Arg109Ter; replaces arginine 109 with a stop codon.
Molecular consequence: nonsense.
Genome position (GRCh38, 1-based): chr11:102,955,289, G>A on the plus strand (C>T on the coding strand, the complement: MMP13 is on the minus strand). VCF-style: chr11-102955289-G-A. GRCh37 (hg19) VCF-style: chr11-102826018-G-A.
Other names: MMP13, ARG109TER (rs369083541); short protein forms R109*.
Identifiers: ClinVar variation 183688 (VCV000183688.15), dbSNP rs369083541, ClinGen allele CA186148.